The following is an entry in ClinVar:

NM_000552.5(VWF):c.5007C>G (p.Cys1669Trp)

Gene: VWF (von Willebrand factor; minus strand). Cytogenetic location: 12p13.31.
Variant type: single nucleotide variant.
Coding change: c.5007C>G on transcript NM_000552.5 (MANE Select); coding-DNA position 5007, C replaced by G.
Protein change: p.Cys1669Trp; replaces cysteine 1669 with tryptophan.
Molecular consequence: missense variant.
Genome position (GRCh38, 1-based): chr12:6,018,411, G>C on the plus strand (C>G on the coding strand, the complement: VWF is on the minus strand). VCF-style: chr12-6018411-G-C. GRCh37 (hg19) VCF-style: chr12-6127577-G-C.
Other names: short protein forms C1669W.
Identifiers: ClinVar variation 4887658 (VCV004887658.1).

ClinVar aggregate classification (germline): Uncertain significance (1 of 4 stars; one submission).

gnomAD v4.1: 1 of 1,612,548 alleles (0.000062%); highest among the groups gnomAD compares: Admixed American, 0.0017%; no homozygotes.

Submission:

Women's Health and Genetics/Laboratory Corporation of America, LabCorp
Classification: Uncertain significance. Last evaluated: 2026-06-26. Review status: criteria provided, single submitter. Criteria: LabCorp Variant Classification Summary - May 2015. Collection method: clinical testing. Allele origin: germline.
Comment: Variant summary: VWF c.5007C>G (p.Cys1669Trp) results in a non-conservative amino acid change in the encoded protein sequence. Algorithms developed to predict the effect of missense changes on protein structure and function are either unavailable or do not agree on the potential impact of this missense change. The variant allele was found at a frequency of 4e-06 in 248780 control chromosomes. The available data on variant occurrences in the general population are insufficient to allow any conclusion about variant significance. To our knowledge, no occurrence of c.5007C>G in individuals affected with VWF-related conditions and no experimental evidence demonstrating its impact on protein function have been reported. No submitters have cited clinical-significance assessments for this variant to ClinVar. Based on the evidence outlined above, the variant was classified as uncertain significance.